The following is an entry in ClinVar:

ClinVar aggregate classification (germline): Uncertain significance (1 of 4 stars; one submission).

Conditions:
Leigh syndrome (NULS). Also called: Subacute necrotizing encephalopathy; Necrotizing encephalopathy infantile subacute of Leigh; LEIGH SYNDROME, NUCLEAR; Leigh Syndrome (mtDNA deletion); Leigh's syndrome; Leigh Disease. Identifiers: Orphanet 506, MedGen C2931891, MONDO:0009723, OMIM 256000.

Submission:

Labcorp Genetics (formerly Invitae), Labcorp
Classification: Uncertain significance for Leigh syndrome. Last evaluated: 2022-04-01. Review status: criteria provided, single submitter. Criteria: Invitae Variant Classification Sherloc (09022015). Collection method: clinical testing. Allele origin: germline.
Comment: This sequence change replaces glutamine, which is neutral and polar, with leucine, which is neutral and non-polar, at codon 82 of the SURF1 protein (p.Gln82Leu). In summary, the available evidence is currently insufficient to determine the role of this variant in disease. Therefore, it has been classified as a Variant of Uncertain Significance. Algorithms developed to predict the effect of missense changes on protein structure and function (SIFT, PolyPhen-2, Align-GVGD) all suggest that this variant is likely to be tolerated. This variant has not been reported in the literature in individuals affected with SURF1-related conditions. This variant is not present in population databases (gnomAD no frequency).

NM_003172.4(SURF1):c.245A>T (p.Gln82Leu)

Gene: SURF1 (SURF1 cytochrome c oxidase assembly factor; minus strand). Cytogenetic location: 9q34.2.
Variant type: single nucleotide variant.
Coding change: c.245A>T on transcript NM_003172.4 (MANE Select); coding-DNA position 245, A replaced by T.
Protein change: p.Gln82Leu; replaces glutamine 82 with leucine.
Molecular consequence: missense variant. On other transcripts: 5 prime UTR variant (1).
Genome position (GRCh38, 1-based): chr9:133,354,737, T>A on the plus strand (A>T on the coding strand, the complement: SURF1 is on the minus strand). VCF-style: chr9-133354737-T-A. GRCh37 (hg19) VCF-style: chr9-136221592-T-A.
Other names: c.-83A>T (NM_001280787.1); short protein forms Q82L.
Identifiers: ClinVar variation 2120677 (VCV002120677.4), dbSNP rs2490622773, ClinGen allele CA375694694.